The following is an entry in ClinVar:

ClinVar aggregate classification (germline): Uncertain significance (1 of 4 stars; one submission).

gnomAD v4.1: 15 of 1,613,398 alleles (0.00093%); no homozygotes.

Submission:

Labcorp Genetics (formerly Invitae), Labcorp
Classification: Uncertain significance. Last evaluated: 2025-04-13. Review status: criteria provided, single submitter. Criteria: Invitae Variant Classification Sherloc (09022015). Collection method: clinical testing. Allele origin: germline.
Comment: This sequence change replaces proline, which is neutral and non-polar, with serine, which is neutral and polar, at codon 95 of the KIF23 protein (p.Pro95Ser). This variant is present in population databases (rs772597901, gnomAD 0.03%). This variant has not been reported in the literature in individuals affected with KIF23-related conditions. ClinVar contains an entry for this variant (Variation ID: 3611718). Invitae Evidence Modeling of protein sequence and biophysical properties (such as structural, functional, and spatial information, amino acid conservation, physicochemical variation, residue mobility, and thermodynamic stability) indicates that this missense variant is not expected to disrupt KIF23 protein function with a negative predictive value of 80%. In summary, the available evidence is currently insufficient to determine the role of this variant in disease. Therefore, it has been classified as a Variant of Uncertain Significance.

NM_001367805.3(KIF23):c.283C>T (p.Pro95Ser)

Gene: KIF23 (kinesin family member 23; plus strand). Cytogenetic location: 15q23.
Variant type: single nucleotide variant.
Coding change: c.283C>T on transcript NM_001367805.3 (MANE Select); coding-DNA position 283, C replaced by T.
Protein change: p.Pro95Ser; replaces proline 95 with serine.
Molecular consequence: missense variant. On other transcripts: synonymous variant (1), non-coding transcript variant (2).
Genome position (GRCh38, 1-based): chr15:69,421,719, C>T. VCF-style: chr15-69421719-C-T. GRCh37 (hg19) VCF-style: chr15-69714058-C-T.
Other names: c.90C>T, p.Ile30= (NM_001281301.2); c.283C>T, p.Pro95Ser (NM_001367804.2, NM_004856.7, NM_138555.4); short protein forms P95S.
Identifiers: ClinVar variation 3611718 (VCV003611718.2).